The following is an entry in ClinVar:

ClinVar aggregate classification (germline): Uncertain significance. Review status: criteria provided, single submitter (1 of 4 stars). 2 submissions from 2 submitters: Uncertain significance (1). 1 of the submissions does not count toward it. Last evaluated 2025-08-19.

Conditions:
PLXNA3-related disorder. Also called: PLXNA3-related condition.

gnomAD v4.1: 9 of 1,185,059 alleles (0.00076%); highest among the groups gnomAD compares: Admixed American, 0.016%; no homozygotes.

Submissions (2):

Ambry Genetics
Classification: Uncertain significance. Last evaluated: 2025-08-19. Review status: criteria provided, single submitter. Criteria: Ambry Variant Classification Scheme 2023. Collection method: clinical testing. Allele origin: germline.

PreventionGenetics, part of Exact Sciences
Classification: Uncertain significance for PLXNA3-related condition. Last evaluated: 2024-05-09. Review status: no assertion criteria provided. Collection method: clinical testing. Allele origin: germline. Not counted in ClinVar's aggregate classification.
Comment: The PLXNA3 c.448T>G variant is predicted to result in the amino acid substitution p.Ser150Ala. To our knowledge, this variant has not been reported in the literature. This variant is reported in 0.029% of alleles in individuals of Latino descent in gnomAD. At this time, the clinical significance of this variant is uncertain due to the absence of conclusive functional and genetic evidence.

NM_017514.5(PLXNA3):c.448T>G (p.Ser150Ala)

Gene: PLXNA3 (plexin A3; plus strand). Cytogenetic location: Xq28.
Variant type: single nucleotide variant.
Coding change: c.448T>G on transcript NM_017514.5 (MANE Select); coding-DNA position 448, T replaced by G.
Protein change: p.Ser150Ala; replaces serine 150 with alanine.
Molecular consequence: missense variant.
Genome position (GRCh38, 1-based): chrX:154,460,631, T>G. VCF-style: chrX-154460631-T-G. GRCh37 (hg19) VCF-style: chrX-153688971-T-G.
Other names: c.448T>G (NM_017514.3); short protein forms S150A.
Identifiers: ClinVar variation 3353931 (VCV003353931.2).
Genomic context (GRCh38, chrX:154,460,631, plus strand): 5'-AAGCTGGGTGAGCCGCACCACCGCAAGGAGCACTACCTGTCGGGGGCCCAGGAGCCCGAC[T>G]CCATGGCTGGTGTCATTGTGGAGCAGGGCCAGGGGCCCAGCAAGCTGTTTGTGGGCACTG-3'
Protein context (NP_059984.3, residues 140-160): HYLSGAQEPD[Ser150Ala]MAGVIVEQGQ